The following is an entry in ClinVar:

NM_000038.6(APC):c.835-998C>A

Gene: APC (APC regulator of WNT signaling pathway; plus strand). Cytogenetic location: 5q22.2.
Variant type: single nucleotide variant.
Coding change: c.835-998C>A on transcript NM_000038.6 (MANE Select); 998 bases into the intron before coding-DNA position 835, C replaced by A.
Molecular consequence: intron variant.
Genome position (GRCh38, 1-based): chr5:112,814,497, C>A. VCF-style: chr5-112814497-C-A. GRCh37 (hg19) VCF-style: chr5-112150194-C-A.
Other names: c.835-998C>A (NM_001354895.2, NM_001127510.3, NM_001354896.2 and 1 more transcripts); c.865-998C>A (NM_001354897.2, NM_001354902.2); c.781-998C>A (NM_001127511.3); c.760-998C>A (NM_001354898.2, NM_001354904.2); c.-15-998C>A (NM_001354906.2); c.751-998C>A (NM_001354899.2); c.658-998C>A (NM_001354900.2, NM_001354901.2, NM_001354905.2).
Identifiers: ClinVar variation 83093 (VCV000083093.2), dbSNP rs79412241, ClinGen allele CA015409.
Genomic context (GRCh38, chr5:112,814,497, plus strand): 5'-TCCAAGCTTGACACCTCCAAGTTGTCCTCGACTCCCAGCCCCTCTTTACTCACATCCAGT[C>A]AAGTTACTCAAGCCAGTTAATTTGACCTTCAGTTCAAGCCAATTAATTTGAATATCCTTC-3'

ClinVar aggregate classification (germline): other (0 of 4 stars; one submission).

Conditions:
Familial colorectal cancer. Identifiers: MedGen CN280943, MONDO:0023113. Disease mechanism: loss of function.

Submission:

Systems Biology Platform Zhejiang California International NanoSystems Institute
Classification: other for Familial colorectal cancer. Review status: no assertion criteria provided. Collection method: not provided. Allele origin: unknown.
ClinVar note: Converted during submission from cancer to other.